The following is an entry in ClinVar:

ClinVar aggregate classification (germline): Uncertain significance (1 of 4 stars; one submission).

Conditions:
Inclusion body myopathy with early-onset Paget disease with or without frontotemporal dementia 2 (IBMPFD2). Also called: MULTISYSTEM PROTEINOPATHY 2. Identifiers: MedGen C3809468, MONDO:0014178, OMIM 615422.

Allele frequency attached by ClinVar (database versions not stated): gnomAD exomes below 0.00001.
gnomAD v4.1: 1 of 1,613,116 alleles (0.000062%); highest among the groups gnomAD compares: Non-Finnish European, 0.000085%; no homozygotes.

Submission:

Labcorp Genetics (formerly Invitae), Labcorp
Classification: Uncertain significance for Inclusion body myopathy with early-onset Paget disease with or without frontotemporal dementia 2. Last evaluated: 2023-08-16. Review status: criteria provided, single submitter. Criteria: Invitae Variant Classification Sherloc (09022015). Collection method: clinical testing. Allele origin: germline.
Comment: This variant is not present in population databases (gnomAD no frequency). This sequence change replaces glycine, which is neutral and non-polar, with arginine, which is basic and polar, at codon 204 of the HNRNPA2B1 protein (p.Gly204Arg). This variant has not been reported in the literature in individuals affected with HNRNPA2B1-related conditions. In summary, the available evidence is currently insufficient to determine the role of this variant in disease. Therefore, it has been classified as a Variant of Uncertain Significance. Advanced modeling of protein sequence and biophysical properties (such as structural, functional, and spatial information, amino acid conservation, physicochemical variation, residue mobility, and thermodynamic stability) performed at Invitae indicates that this missense variant is not expected to disrupt HNRNPA2B1 protein function.

NM_002137.4(HNRNPA2B1):c.574G>A (p.Gly192Arg)

Gene: HNRNPA2B1 (heterogeneous nuclear ribonucleoprotein A2/B1; minus strand). Cytogenetic location: 7p15.2.
Variant type: single nucleotide variant.
Coding change: c.574G>A on transcript NM_002137.4 (MANE Select); coding-DNA position 574, G replaced by A.
Protein change: p.Gly192Arg; replaces glycine 192 with arginine.
Molecular consequence: missense variant.
Genome position (GRCh38, 1-based): chr7:26,196,560, C>T on the plus strand (G>A on the coding strand, the complement: HNRNPA2B1 is on the minus strand). VCF-style: chr7-26196560-C-T. GRCh37 (hg19) VCF-style: chr7-26236180-C-T.
Other names: c.610G>A, p.Gly204Arg (NM_031243.4); short protein forms G192R, G204R.
Identifiers: ClinVar variation 2753085 (VCV002753085.3), dbSNP rs2535788832, ClinGen allele CA367078686.